The following is an entry in ClinVar:

ClinVar aggregate classification (germline): Uncertain significance (1 of 4 stars; one submission).

gnomAD v4.1: 12 of 1,613,964 alleles (0.00074%); highest among the groups gnomAD compares: African/African-American, 0.0013%; no homozygotes.

Submission:

Labcorp Genetics (formerly Invitae), Labcorp
Classification: Uncertain significance. Last evaluated: 2024-10-01. Review status: criteria provided, single submitter. Criteria: Invitae Variant Classification Sherloc (09022015). Collection method: clinical testing. Allele origin: germline.
Comment: This sequence change replaces arginine, which is basic and polar, with histidine, which is basic and polar, at codon 727 of the RNF31 protein (p.Arg727His). This variant is present in population databases (rs202024003, gnomAD 0.002%). This variant has not been reported in the literature in individuals affected with RNF31-related conditions. An algorithm developed to predict the effect of missense changes on protein structure and function (PolyPhen-2) suggests that this variant is likely to be disruptive. In summary, the available evidence is currently insufficient to determine the role of this variant in disease. Therefore, it has been classified as a Variant of Uncertain Significance.

NM_017999.5(RNF31):c.2180G>A (p.Arg727His)

Gene: RNF31 (ring finger protein 31; plus strand). Cytogenetic location: 14q12.
Variant type: single nucleotide variant.
Coding change: c.2180G>A on transcript NM_017999.5 (MANE Select); coding-DNA position 2180, G replaced by A.
Protein change: p.Arg727His; replaces arginine 727 with histidine.
Molecular consequence: missense variant.
Genome position (GRCh38, 1-based): chr14:24,155,206, G>A. VCF-style: chr14-24155206-G-A. GRCh37 (hg19) VCF-style: chr14-24624415-G-A.
Other names: c.1727G>A, p.Arg576His (NM_001310332.2); short protein forms R576H, R727H.
Identifiers: ClinVar variation 3608246 (VCV003608246.2).
Genomic context (GRCh38, chr14:24,155,206, plus strand): 5'-TCACCCTCCAGATGCAGGCCCTGACTTCCTGTGAGTGCACCATCTGTCCTGACTGCTTCC[G>A]CCAGCACTTCACCATCGCCTTGAAGGAGAAGCACATCACAGACATGGTGTGCCCTGCCTG-3'
Protein context (NP_060469.4, residues 717-737): CECTICPDCF[Arg727His]QHFTIALKEK